The following is an entry in ClinVar:

ClinVar aggregate classification (germline): Uncertain significance. Review status: criteria provided, multiple submitters, no conflicts (2 of 4 stars). 2 submissions from 2 submitters: Uncertain significance (2). Last evaluated 2023-10-27.

Conditions:
Inborn genetic diseases. Identifiers: MedGen C0950123, MeSH D030342.
46,XY sex reversal 9 (SRXY9). Also called: 46,XY SEX REVERSAL, ZFPM2-RELATED. Identifiers: Orphanet 251510, MedGen C4015129, MONDO:0014480, OMIM 616067.

Allele frequency attached by ClinVar (database versions not stated): gnomAD 0.00001; TOPMed 0.00002; gnomAD exomes 0.00005; ExAC 0.00006.
gnomAD v4.1: 69 of 1,613,780 alleles (0.0043%); highest among the groups gnomAD compares: Middle Eastern, 0.016%; no homozygotes.

Submissions (2):

Ambry Genetics
Classification: Uncertain significance for Inborn genetic diseases. Last evaluated: 2023-10-27. Review status: criteria provided, single submitter. Criteria: Ambry Variant Classification Scheme 2023. Collection method: clinical testing. Allele origin: germline.

Labcorp Genetics (formerly Invitae), Labcorp
Classification: Uncertain significance for 46,XY sex reversal 9. Last evaluated: 2022-12-06. Review status: criteria provided, single submitter. Criteria: Invitae Variant Classification Sherloc (09022015). Collection method: clinical testing. Allele origin: germline.
Comment: Algorithms developed to predict the effect of missense changes on protein structure and function (SIFT, PolyPhen-2, Align-GVGD) all suggest that this variant is likely to be tolerated. This variant has not been reported in the literature in individuals affected with ZFPM2-related conditions. In summary, the available evidence is currently insufficient to determine the role of this variant in disease. Therefore, it has been classified as a Variant of Uncertain Significance. This sequence change replaces proline, which is neutral and non-polar, with leucine, which is neutral and non-polar, at codon 282 of the ZFPM2 protein (p.Pro282Leu). This variant is present in population databases (rs767588150, gnomAD 0.02%).

NM_012082.4(ZFPM2):c.845C>T (p.Pro282Leu)

Genes: ZFPM2 (zinc finger protein, FOG family member 2; plus strand), ZFPM2-AS1 (ZFPM2 antisense RNA 1; minus strand). Cytogenetic location: 8q23.1.
Variant type: single nucleotide variant.
Coding change: c.845C>T on transcript NM_012082.4 (MANE Select); coding-DNA position 845, C replaced by T.
Protein change: p.Pro282Leu; replaces proline 282 with leucine.
Molecular consequence: missense variant.
Genome position (GRCh38, 1-based): chr8:105,798,829, C>T. VCF-style: chr8-105798829-C-T. GRCh37 (hg19) VCF-style: chr8-106811057-C-T.
Other names: c.686C>T, p.Pro229Leu (NM_001362836.2); c.449C>T, p.Pro150Leu (NM_001362837.2); c.845C>T (NM_012082.3); short protein forms P229L, P150L, P282L.
Identifiers: ClinVar variation 2138312 (VCV002138312.5), dbSNP rs767588150, ClinGen allele CA4839645.